The following is an entry in ClinVar:

ClinVar aggregate classification (germline): Likely pathogenic (1 of 4 stars; one submission).

Conditions:
Congenital factor V deficiency. Also called: LABILE FACTOR DEFICIENCY; OWREN PARAHEMOPHILIA; PARAHEMOPHILIA; Hereditary factor V deficiency disease. Identifiers: Orphanet 326, MedGen C0015499, MONDO:0009210, OMIM 227400.

gnomAD v4.1: 1 of 1,614,060 alleles (0.000062%); highest among the groups gnomAD compares: East Asian, 0.0022%; no homozygotes.

Submission:

Women's Health and Genetics/Laboratory Corporation of America, LabCorp
Classification: Likely pathogenic for Congenital factor V deficiency. Last evaluated: 2026-04-01. Review status: criteria provided, single submitter. Criteria: LabCorp Variant Classification Summary - May 2015. Collection method: clinical testing. Allele origin: germline.
Comment: Variant summary: F5 c.1673A>C (p.Tyr558Ser) results in a non-conservative amino acid change in the encoded protein sequence. Algorithms developed to predict the effect of missense changes on protein structure and function all suggest that this variant is likely to be disruptive. The variant was absent in 251424 control chromosomes (gnomAD). c.1673A>C has been observed in compound heterozygous individuals affected with Congenital Factor V Deficiency (Xie_2001, Zheng_2010, Lin_2023, Yang_2025). These data indicate that the variant is likely to be associated with disease. At least one publication reports experimental evidence evaluating an impact on protein function and this variant affects F5 protein function (Zheng_2010). The following publications have been ascertained in the context of this evaluation (PMID: 35946468, 11758222, 40421928, 20664902). No submitters have cited clinical-significance assessments for this variant to ClinVar. Based on the evidence outlined above, the variant was classified as likely pathogenic.

Literature cited by the submitters: PubMed 35946468; PubMed 11758222; PubMed 40421928; PubMed 20664902.

NM_000130.5(F5):c.1673A>C (p.Tyr558Ser)

Gene: F5 (coagulation factor V; minus strand). Cytogenetic location: 1q24.2.
Variant type: single nucleotide variant.
Coding change: c.1673A>C on transcript NM_000130.5 (MANE Select); coding-DNA position 1673, A replaced by C.
Protein change: p.Tyr558Ser; replaces tyrosine 558 with serine.
Molecular consequence: missense variant.
Genome position (GRCh38, 1-based): chr1:169,546,531, T>G on the plus strand (A>C on the coding strand, the complement: F5 is on the minus strand). VCF-style: chr1-169546531-T-G. GRCh37 (hg19) VCF-style: chr1-169515769-T-G.
Other names: short protein forms Y558S.
Identifiers: ClinVar variation 4848997 (VCV004848997.1).